The following is an entry in ClinVar:

ClinVar aggregate classification (germline): Likely benign. Review status: criteria provided, multiple submitters, no conflicts (2 of 4 stars). 2 submissions from 2 submitters: Likely benign (2). Last evaluated 2024-11-20.

Allele frequency attached by ClinVar (database versions not stated): ESP Exome Variant Server 0.00008; gnomAD exomes 0.00011; gnomAD 0.00012; ExAC 0.00027; 1000 Genomes Project 0.00080; 1000 Genomes Project 30x 0.00125.

Submissions (2):

Blueprint Genetics
Classification: Likely benign. Last evaluated: 2024-11-20. Review status: criteria provided, single submitter. Criteria: ACMG Guidelines, 2015. Collection method: clinical testing. Allele origin: germline.

CeGaT Center for Human Genetics Tuebingen
Classification: Likely benign. Last evaluated: 2024-02-01. Review status: criteria provided, single submitter. Criteria: CeGaT Center For Human Genetics Tuebingen Variant Classification Criteria Version 2. Collection method: clinical testing. Allele origin: germline. Affected: yes. Observed: 1 variant allele.
Comment: GLS: BP4, BP7

NM_014905.5(GLS):c.939G>A (p.Pro313=)

Gene: GLS (glutaminase; plus strand). Cytogenetic location: 2q32.2.
Variant type: single nucleotide variant.
Coding change: c.939G>A on transcript NM_014905.5 (MANE Select); coding-DNA position 939, G replaced by A.
Protein change: p.Pro313=; no amino-acid change (proline 313 retained).
Molecular consequence: synonymous variant.
Genome position (GRCh38, 1-based): chr2:190,905,127, G>A. VCF-style: chr2-190905127-G-A. GRCh37 (hg19) VCF-style: chr2-191769853-G-A.
Other names: c.939G>A, p.Pro313= (NM_001256310.2).
Identifiers: ClinVar variation 3025273 (VCV003025273.23), dbSNP rs75276497, ClinGen allele CA2029332.